The following is an entry in ClinVar:

NM_001199862.2(KCNAB2):c.771G>A (p.Pro257=)

Gene: KCNAB2 (potassium voltage-gated channel subfamily A regulatory beta subunit 2; plus strand). Cytogenetic location: 1p36.31.
Variant type: single nucleotide variant.
Coding change: c.771G>A on transcript NM_001199862.2 (MANE Select); coding-DNA position 771, G replaced by A.
Protein change: p.Pro257=; no amino-acid change (proline 257 retained).
Molecular consequence: synonymous variant.
Genome position (GRCh38, 1-based): chr1:6,095,361, G>A. VCF-style: chr1-6095361-G-A. GRCh37 (hg19) VCF-style: chr1-6155421-G-A.
Other names: c.627G>A, p.Pro209= (NM_001199860.2, NM_001199861.2, NM_003636.4); c.426G>A, p.Pro142= (NM_001199863.2); c.585G>A, p.Pro195= (NM_172130.3).
Identifiers: ClinVar variation 735769 (VCV000735769.6), dbSNP rs367915512, ClinGen allele CA555368.
Genomic context (GRCh38, chr1:6,095,361, plus strand): 5'-GGGTCCCTTTCTGCCTTCACAGGAGGCCTACTCCGTGGCCCGGCAGTTCAACCTGACCCC[G>A]CCCATCTGCGAGCAGGCTGAGTACCACATGTTCCAGCGTGAGAAAGTGGAGGTGCAGCTG-3'
Protein context (NP_001186791.1, residues 247-267): YSVARQFNLT[Pro257=]PICEQAEYHM

ClinVar aggregate classification (germline): Likely benign. Review status: criteria provided, single submitter (1 of 4 stars). 2 submissions from 2 submitters: Likely benign (1). 1 of the submissions does not count toward it. Last evaluated 2019-12-31.

Conditions:
KCNAB2-related disorder. Also called: KCNAB2-related condition.

Allele frequency attached by ClinVar (database versions not stated): ExAC 0.00014; gnomAD 0.00018 and 0.00019; TOPMed 0.00025; ESP Exome Variant Server 0.00038.
gnomAD v4.1: 115 of 1,612,956 alleles (0.0071%); highest among the groups gnomAD compares: African/African-American, 0.048%; no homozygotes.

Submissions (2):

Labcorp Genetics (formerly Invitae), Labcorp
Classification: Likely benign. Last evaluated: 2019-12-31. Review status: criteria provided, single submitter. Criteria: Invitae Variant Classification Sherloc (09022015). Collection method: clinical testing. Allele origin: germline.

PreventionGenetics, part of Exact Sciences
Classification: Likely benign for KCNAB2-related condition. Last evaluated: 2019-04-10. Review status: no assertion criteria provided. Collection method: clinical testing. Allele origin: germline. Not counted in ClinVar's aggregate classification.
Comment: This variant is classified as likely benign based on ACMG/AMP sequence variant interpretation guidelines (Richards et al. 2015 PMID: 25741868, with internal and published modifications).